The following is an entry in ClinVar:

NM_023067.4(FOXL2):c.177C>G (p.Tyr59Ter)

Gene: FOXL2 (forkhead box L2; minus strand). Cytogenetic location: 3q22.3.
Variant type: single nucleotide variant.
Coding change: c.177C>G on transcript NM_023067.4 (MANE Select); coding-DNA position 177, C replaced by G.
Protein change: p.Tyr59Ter; replaces tyrosine 59 with a stop codon.
Molecular consequence: nonsense.
Genome position (GRCh38, 1-based): chr3:138,946,546, G>C on the plus strand (C>G on the coding strand, the complement: FOXL2 is on the minus strand). VCF-style: chr3-138946546-G-C. GRCh37 (hg19) VCF-style: chr3-138665388-G-C.
Other names: short protein forms Y59*.
Identifiers: ClinVar variation 2766064 (VCV002766064.3), dbSNP rs2107744913, ClinGen allele CA354707565.
Genomic context (GRCh38, chr3:138,946,546, plus strand): 5'-GCCGGACAGCGTGAGCCTCTTCTCCGCGCTCTCGCGGATCGCCATGGCGATGAGCGCCAC[G>C]TACGAGTACGGGGGCTTCTGCGCCGGGTCCGGCTTCTCCGGGGCTGTCCCGCCGCCACCC-3'

ClinVar aggregate classification (germline): Pathogenic (1 of 4 stars; one submission).

Submission:

Labcorp Genetics (formerly Invitae), Labcorp
Classification: Pathogenic. Last evaluated: 2023-10-05. Review status: criteria provided, single submitter. Criteria: Invitae Variant Classification Sherloc (09022015). Collection method: clinical testing. Allele origin: germline.
Comment: This sequence change creates a premature translational stop signal (p.Tyr59*) in the FOXL2 gene. While this is not anticipated to result in nonsense mediated decay, it is expected to disrupt the last 318 amino acid(s) of the FOXL2 protein. This variant is not present in population databases (gnomAD no frequency). This variant has not been reported in the literature in individuals affected with FOXL2-related conditions. This variant disrupts a region of the FOXL2 protein in which other variant(s) (p.His291Argfs*71) have been determined to be pathogenic (PMID: 11175783, 28849110, 31048069). This suggests that this is a clinically significant region of the protein, and that variants that disrupt it are likely to be disease-causing. For these reasons, this variant has been classified as Pathogenic.

Literature cited by the submitters: PubMed 11175783; PubMed 28849110; PubMed 31048069.